The following is an entry in ClinVar:

ClinVar aggregate classification (germline): Likely benign (1 of 4 stars; one submission).

Allele frequency attached by ClinVar (database versions not stated): TOPMed below 0.00001; gnomAD 0.00001 and 0.00002.

Submission:

GeneDx
Classification: Likely benign. Last evaluated: 2017-03-03. Review status: criteria provided, single submitter. Criteria: GeneDx Variant Classification (06012015). Collection method: clinical testing. Allele origin: germline. Affected: yes.
Comment: This variant is considered likely benign or benign based on one or more of the following criteria: it is a conservative change, it occurs at a poorly conserved position in the protein, it is predicted to be benign by multiple in silico algorithms, and/or has population frequency not consistent with disease.

NM_007327.4(GRIN1):c.2013+20G>T

Gene: GRIN1 (glutamate ionotropic receptor NMDA type subunit 1; plus strand). Cytogenetic location: 9q34.3.
Variant type: single nucleotide variant.
Coding change: c.2013+20G>T on transcript NM_007327.4 (MANE Select); 20 bases into the intron after coding-DNA position 2013, G replaced by T.
Molecular consequence: intron variant.
Genome position (GRCh38, 1-based): chr9:137,162,759, G>T. VCF-style: chr9-137162759-G-T. GRCh37 (hg19) VCF-style: chr9-140057211-G-T.
Other names: c.2076+20G>T (NM_001185090.2, NM_001185091.2); c.2013+20G>T (NM_021569.4, NM_000832.7).
Identifiers: ClinVar variation 507653 (VCV000507653.1), dbSNP rs1199869217, ClinGen allele CA591372880.